The following is an entry in ClinVar:

NM_000553.6(WRN):c.3967C>A (p.Pro1323Thr)

Gene: WRN (WRN RecQ like helicase; plus strand). Cytogenetic location: 8p12.
Variant type: single nucleotide variant.
Coding change: c.3967C>A on transcript NM_000553.6 (MANE Select); coding-DNA position 3967, C replaced by A.
Protein change: p.Pro1323Thr; replaces proline 1323 with threonine.
Molecular consequence: missense variant.
Genome position (GRCh38, 1-based): chr8:31,157,515, C>A. VCF-style: chr8-31157515-C-A. GRCh37 (hg19) VCF-style: chr8-31015031-C-A.
Other names: short protein forms P1323T.
Identifiers: ClinVar variation 1980176 (VCV001980176.4), dbSNP rs1432145187, ClinGen allele CA370929694.

ClinVar aggregate classification (germline): Uncertain significance (1 of 4 stars; one submission).

Conditions:
Werner syndrome (WRN). Identifiers: Orphanet 902, MedGen C0043119, MONDO:0010196, OMIM 277700.

gnomAD v4.1: 1 of 1,614,084 alleles (0.000062%); no homozygotes.

Submission:

Labcorp Genetics (formerly Invitae), Labcorp
Classification: Uncertain significance for Werner syndrome. Last evaluated: 2022-06-13. Review status: criteria provided, single submitter. Criteria: Invitae Variant Classification Sherloc (09022015). Collection method: clinical testing. Allele origin: germline.
Comment: In summary, the available evidence is currently insufficient to determine the role of this variant in disease. Therefore, it has been classified as a Variant of Uncertain Significance. Algorithms developed to predict the effect of missense changes on protein structure and function are either unavailable or do not agree on the potential impact of this missense change (SIFT: "Not Available"; PolyPhen-2: "Probably Damaging"; Align-GVGD: "Not Available"). This variant has not been reported in the literature in individuals affected with WRN-related conditions. This variant is not present in population databases (gnomAD no frequency). This sequence change replaces proline, which is neutral and non-polar, with threonine, which is neutral and polar, at codon 1323 of the WRN protein (p.Pro1323Thr).